The following is an entry in ClinVar:

NM_001204.7(BMPR2):c.415C>G (p.Leu139Val)

Gene: BMPR2 (bone morphogenetic protein receptor type 2; plus strand). Cytogenetic location: 2q33.1.
Variant type: single nucleotide variant.
Coding change: c.415C>G on transcript NM_001204.7 (MANE Select); coding-DNA position 415, C replaced by G.
Protein change: p.Leu139Val; replaces leucine 139 with valine.
Molecular consequence: missense variant.
Genome position (GRCh38, 1-based): chr2:202,467,686, C>G. VCF-style: chr2-202467686-C-G. GRCh37 (hg19) VCF-style: chr2-203332409-C-G.
Other names: short protein forms L139V.
Identifiers: ClinVar variation 4867596 (VCV004867596.1).

ClinVar aggregate classification (germline): Uncertain significance (1 of 4 stars; one submission).

Conditions:
Inborn genetic diseases. Identifiers: MedGen C0950123, MeSH D030342.

Submission:

Ambry Genetics
Classification: Uncertain significance for Inborn genetic diseases. Last evaluated: 2026-04-09. Review status: criteria provided, single submitter. Criteria: Ambry Variant Classification Scheme 2023. Collection method: clinical testing. Allele origin: germline.
Comment: The p.L139V variant (also known as c.415C>G), located in coding exon 3 of the BMPR2 gene, results from a C to G substitution at nucleotide position 415. The leucine at codon 139 is replaced by valine, an amino acid with highly similar properties. This amino acid position is conserved. In addition, this alteration is predicted to be tolerated by in silico analysis. Based on the available evidence, the clinical significance of this variant remains unclear.